The following is an entry in ClinVar:

ClinVar aggregate classification (germline): Uncertain significance (1 of 4 stars; one submission).

gnomAD v4.1: 39 of 1,613,162 alleles (0.0024%); highest among the groups gnomAD compares: South Asian, 0.021%; no homozygotes.

Submission:

GeneDx
Classification: Uncertain significance. Last evaluated: 2024-07-17. Review status: criteria provided, single submitter. Criteria: GeneDx Variant Classification Process June 2021. Collection method: clinical testing. Allele origin: germline. Affected: yes.
Comment: In silico analysis indicates that this missense variant does not alter protein structure/function; Has not been previously published as pathogenic or benign to our knowledge

NM_005199.5(CHRNG):c.1229C>T (p.Ala410Val)

Genes: CHRNG (cholinergic receptor nicotinic gamma subunit; plus strand), TIGD1 (tigger transposable element derived 1; minus strand). Cytogenetic location: 2q37.1.
Variant type: single nucleotide variant.
Coding change: c.1229C>T on transcript NM_005199.5 (MANE Select); coding-DNA position 1229, C replaced by T.
Protein change: p.Ala410Val; replaces alanine 410 with valine.
Molecular consequence: missense variant. On other transcripts: 3 prime UTR variant (1).
Genome position (GRCh38, 1-based): chr2:232,544,560, C>T. VCF-style: chr2-232544560-C-T. GRCh37 (hg19) VCF-style: chr2-233409270-C-T.
Other names: c.*3547G>A (NM_145702.4); short protein forms A410V.
Identifiers: ClinVar variation 3573751 (VCV003573751.1).